The following is an entry in ClinVar:

NM_001130004.2(ACTN1):c.918G>T (p.Met306Ile)

Gene: ACTN1 (actinin alpha 1; minus strand). Cytogenetic location: 14q24.1.
Variant type: single nucleotide variant.
Coding change: c.918G>T on transcript NM_001130004.2 (MANE Select); coding-DNA position 918, G replaced by T.
Protein change: p.Met306Ile; replaces methionine 306 with isoleucine.
Molecular consequence: missense variant.
Genome position (GRCh38, 1-based): chr14:68,892,221, C>A on the plus strand (G>T on the coding strand, the complement: ACTN1 is on the minus strand). VCF-style: chr14-68892221-C-A. GRCh37 (hg19) VCF-style: chr14-69358938-C-A.
Other names: c.918G>T, p.Met306Ile (NM_001102.4, NM_001130005.2, NM_001411035.1 and 9 more transcripts); c.723G>T, p.Met241Ile (NM_001411036.1, NM_001424026.1, NM_001424028.1); c.1044G>T, p.Met348Ile (NM_001424013.1); c.1005G>T, p.Met335Ile (NM_001424015.1); c.915G>T, p.Met305Ile (NM_001424017.1); c.855G>T, p.Met285Ile (NM_001424018.1, NM_001424020.1, NM_001424022.1); c.849G>T, p.Met283Ile (NM_001424021.1); c.93G>T, p.Met31Ile (NM_001424030.1); short protein forms M31I, M241I, M285I, M305I, M348I, M283I, M335I, M306I.
Identifiers: ClinVar variation 2976467 (VCV002976467.3), dbSNP rs758945675, ClinGen allele CA7242507.

ClinVar aggregate classification (germline): Uncertain significance (1 of 4 stars; one submission).

Allele frequency attached by ClinVar (database versions not stated): TOPMed 0.00001; ExAC 0.00002.
gnomAD v4.1: 1 of 1,614,172 alleles (0.000062%); no homozygotes.

Submission:

Labcorp Genetics (formerly Invitae), Labcorp
Classification: Uncertain significance. Last evaluated: 2024-08-05. Review status: criteria provided, single submitter. Criteria: Invitae Variant Classification Sherloc (09022015). Collection method: clinical testing. Allele origin: germline.
Comment: This sequence change replaces methionine, which is neutral and non-polar, with isoleucine, which is neutral and non-polar, at codon 306 of the ACTN1 protein (p.Met306Ile). This variant is present in population databases (rs758945675, gnomAD 0.03%). This variant has not been reported in the literature in individuals affected with ACTN1-related conditions. An algorithm developed to predict the effect of missense changes on protein structure and function (PolyPhen-2) suggests that this variant is likely to be tolerated. In summary, the available evidence is currently insufficient to determine the role of this variant in disease. Therefore, it has been classified as a Variant of Uncertain Significance.